The following is an entry in ClinVar:

NM_000463.3(UGT1A1):c.1029G>A (p.Ser343=)

Genes: UGT1A (UDP glucuronosyltransferase family 1 member A complex locus; plus strand), UGT1A1 (UDP glucuronosyltransferase family 1 member A1; plus strand), UGT1A10 (UDP glucuronosyltransferase family 1 member A10; plus strand), UGT1A3 (UDP glucuronosyltransferase family 1 member A3; plus strand), UGT1A4 (UDP glucuronosyltransferase family 1 member A4; plus strand) and 5 more. Cytogenetic location: 2q37.1.
Variant type: single nucleotide variant.
Coding change: c.1029G>A on transcript NM_000463.3 (MANE Select); coding-DNA position 1029, G replaced by A.
Protein change: p.Ser343=; no amino-acid change (serine 343 retained).
Molecular consequence: synonymous variant.
Genome position (GRCh38, 1-based): chr2:233,767,881, G>A. VCF-style: chr2-233767881-G-A. GRCh37 (hg19) VCF-style: chr2-234676527-G-A.
Other names: c.1020G>A, p.Ser340= (NM_019075.4, NM_019076.5, NM_019077.3 and 1 more transcripts); c.1026G>A, p.Ser342= (NM_001072.4); c.225G>A, p.Ser75= (NM_205862.3); c.1032G>A, p.Ser344= (NM_019078.2, NM_007120.3, NM_019093.4).
Identifiers: ClinVar variation 4988183 (VCV004988183.1).

ClinVar aggregate classification (germline): Likely benign (1 of 4 stars; one submission).

Conditions:
UGT1A1-related disorder. Also called: UGT1A1-related disorders; UGT1A1-related condition.

gnomAD v4.1: 17 of 1,613,962 alleles (0.0011%); highest among the groups gnomAD compares: Non-Finnish European, 0.0012%; no homozygotes.

Submission:

PreventionGenetics, part of Exact Sciences
Classification: Likely benign for UGT1A1-related condition. Last evaluated: 2026-01-06. Review status: criteria provided, single submitter. Criteria: ACMG Guidelines, 2015. Collection method: clinical testing. Allele origin: germline.
Comment: This variant is classified as likely benign based on ACMG/AMP sequence variant interpretation guidelines (Richards et al. 2015 PMID: 25741868, with internal and published modifications).